The following is an entry in ClinVar:

ClinVar aggregate classification (germline): Uncertain significance (1 of 4 stars; one submission).

Conditions:
Long QT syndrome (LQTS). Identifiers: MedGen C0023976, MeSH D008133, MONDO:0002442. Disease mechanism: loss of function. Inheritance: Various modes of inheritance.

Allele frequency attached by ClinVar (database versions not stated): gnomAD exomes below 0.00001.
gnomAD v4.1: 6 of 1,603,332 alleles (0.00037%); highest among the groups gnomAD compares: Non-Finnish European, 0.00051%; no homozygotes.

Submission:

Labcorp Genetics (formerly Invitae), Labcorp
Classification: Uncertain significance for Long QT syndrome. Last evaluated: 2015-07-16. Review status: criteria provided, single submitter. Criteria: Invitae Variant Classification Sherloc (09022015). Collection method: clinical testing. Allele origin: germline.
Comment: In summary, this is a novel missense change with uncertain impact on protein function. It has been classified as a Variant of Uncertain Significance. This variant has not been published in the literature and is not present in population databases. This sequence change replaces valine with phenylalanine at codon 2859 of the AKAP9 protein (p.Val2859Phe). The valine residue is highly conserved and there is a small physicochemical difference between valine and phenylalanine. Algorithms developed to predict the effect of missense changes on protein structure and function do not agree on the potential impact of this missense change (SIFT: "deleterious"; PolyPhen-2: "Possibly Damaging"; Align-GVGD: "Class C0").

NM_005751.5(AKAP9):c.8575G>T (p.Val2859Phe)

Gene: AKAP9 (A-kinase anchoring protein 9; plus strand). Cytogenetic location: 7q21.2.
Variant type: single nucleotide variant.
Coding change: c.8575G>T on transcript NM_005751.5 (MANE Select); coding-DNA position 8575, G replaced by T.
Protein change: p.Val2859Phe; replaces valine 2859 with phenylalanine.
Molecular consequence: missense variant.
Genome position (GRCh38, 1-based): chr7:92,083,584, G>T. VCF-style: chr7-92083584-G-T. GRCh37 (hg19) VCF-style: chr7-91712898-G-T.
Other names: c.3220G>T, p.Val1074Phe (NM_001379277.1); c.8551G>T, p.Val2851Phe (NM_147185.3); short protein forms V2859F, V2851F, V1074F.
Identifiers: ClinVar variation 219512 (VCV000219512.7), dbSNP rs864622133, ClinGen allele CA349437.
Genomic context (GRCh38, chr7:92,083,584, plus strand): 5'-ATTTTGGACATGGAATCCAGACATATTTCAGAAACTGAAACCTTAAAGAGGGAACACTAT[G>T]TTGCCGTTCAGTTACTGAAAGAGGAATGTGGTACCTTGAAGGCAGTGATACAGTGTCTGA-3'
Protein context (NP_005742.4, residues 2849-2869): ETETLKREHY[Val2859Phe]AVQLLKEECG